The following is an entry in ClinVar:

NM_016204.4(GDF2):c.1281G>T (p.Gly427=)

Gene: GDF2 (growth differentiation factor 2; plus strand). Cytogenetic location: 10q11.22.
Variant type: single nucleotide variant.
Coding change: c.1281G>T on transcript NM_016204.4 (MANE Select); coding-DNA position 1281, G replaced by T.
Protein change: p.Gly427=; no amino-acid change (glycine 427 retained).
Molecular consequence: synonymous variant.
Genome position (GRCh38, 1-based): chr10:47,325,775, G>T. VCF-style: chr10-47325775-G-T. GRCh37 (hg19) VCF-style: chr10-48413587-C-A.
Other names: c.1281G>T (NM_016204.1).
Identifiers: ClinVar variation 788158 (VCV000788158.12), dbSNP rs781842184, ClinGen allele CA5487911.

ClinVar aggregate classification (germline): Conflicting classifications of pathogenicity. Review status: criteria provided, conflicting classifications (1 of 4 stars). 4 submissions from 4 submitters: Uncertain significance (1); Likely benign (3). Last evaluated 2025-05-08.

Conditions:
Cardiovascular phenotype. Identifiers: MedGen CN230736.
Telangiectasia, hereditary hemorrhagic, type 5 (HHT5). Identifiers: Orphanet 774, MedGen C3809710, MONDO:0014217, OMIM 615506.

Allele frequency attached by ClinVar (database versions not stated): gnomAD 0.00001; gnomAD exomes 0.00001 and 0.00003; TOPMed 0.00002; ExAC 0.00004.

Submissions (4):

Labcorp Genetics (formerly Invitae), Labcorp
Classification: Likely benign for Telangiectasia, hereditary hemorrhagic, type 5. Last evaluated: 2025-05-08. Review status: criteria provided, single submitter. Criteria: Invitae Variant Classification Sherloc (09022015). Collection method: clinical testing. Allele origin: germline.

Ambry Genetics
Classification: Likely benign for Cardiovascular phenotype. Last evaluated: 2025-02-15. Review status: criteria provided, single submitter. Criteria: Ambry Variant Classification Scheme 2023. Collection method: clinical testing. Allele origin: germline.

GeneDx
Classification: Uncertain significance. Last evaluated: 2022-11-30. Review status: criteria provided, single submitter. Criteria: GeneDx Variant Classification Process June 2021. Collection method: clinical testing. Allele origin: germline. Affected: yes.
Comment: Has not been previously published as pathogenic or benign to our knowledge; In silico analysis suggests this variant may impact gene splicing. In the absence of RNA/functional studies, the actual effect of this sequence change is unknown.

Fulgent Genetics
Classification: Likely benign for Telangiectasia, hereditary hemorrhagic, type 5. Last evaluated: 2021-08-15. Review status: criteria provided, single submitter. Criteria: ACMG Guidelines, 2015. Collection method: clinical testing. Allele origin: unknown.